The following is an entry in ClinVar:

ClinVar aggregate classification (germline): Uncertain significance (1 of 4 stars; one submission).

Submission:

Labcorp Genetics (formerly Invitae), Labcorp
Classification: Uncertain significance. Last evaluated: 2022-05-25. Review status: criteria provided, single submitter. Criteria: Invitae Variant Classification Sherloc (09022015). Collection method: clinical testing. Allele origin: germline.
Comment: Algorithms developed to predict the effect of missense changes on protein structure and function (SIFT, PolyPhen-2, Align-GVGD) all suggest that this variant is likely to be disruptive. This variant has not been reported in the literature in individuals affected with SCLT1-related conditions. This variant is not present in population databases (gnomAD no frequency). This sequence change replaces aspartic acid, which is acidic and polar, with tyrosine, which is neutral and polar, at codon 568 of the SCLT1 protein (p.Asp568Tyr). In summary, the available evidence is currently insufficient to determine the role of this variant in disease. Therefore, it has been classified as a Variant of Uncertain Significance.

NM_144643.4(SCLT1):c.1702G>T (p.Asp568Tyr)

Gene: SCLT1 (sodium channel and clathrin linker 1; minus strand). Cytogenetic location: 4q28.2.
Variant type: single nucleotide variant.
Coding change: c.1702G>T on transcript NM_144643.4 (MANE Select); coding-DNA position 1702, G replaced by T.
Protein change: p.Asp568Tyr; replaces aspartic acid 568 with tyrosine.
Molecular consequence: missense variant.
Genome position (GRCh38, 1-based): chr4:128,936,782, C>A on the plus strand (G>T on the coding strand, the complement: SCLT1 is on the minus strand). VCF-style: chr4-128936782-C-A. GRCh37 (hg19) VCF-style: chr4-129857937-C-A.
Other names: c.*39G>T (NM_001410807.1); short protein forms D568Y.
Identifiers: ClinVar variation 1998895 (VCV001998895.3), dbSNP rs2530295841, ClinGen allele CA358183971.